The following is an entry in ClinVar:

NM_000318.3(PEX2):c.272dup (p.Pro91_Asn92insTer)

Gene: PEX2 (peroxisomal biogenesis factor 2; minus strand). Cytogenetic location: 8q21.13.
Variant type: Duplication.
Coding change: c.272dup on transcript NM_000318.3 (MANE Select); coding-DNA position 272, one base duplicated (C; older notation c.272dupC).
Protein change: p.Pro91_Asn92insTer.
Molecular consequence: frameshift variant.
Genome position (GRCh38, 1-based): chr8:76,983,907, G duplicated on the plus strand (C on the coding strand, the reverse complement: PEX2 is on the minus strand); the first of 4 consecutive G bases (chr8:76,983,907-76,983,910); duplicating any one gives the same sequence. VCF-style (leftmost placement, unchanged base first): chr8-76983906-A-AG. GRCh37 (hg19) VCF-style: chr8-77896142-A-AG.
Other names: c.272dup, p.Pro91_Asn92insTer (NM_001079867.2, NM_001172086.2, NM_001172087.2); c.272dup (NM_000318.2).
Identifiers: ClinVar variation 2697915 (VCV002697915.4), dbSNP rs2487452856, ClinGen allele CA2697549974.
Genomic context (GRCh38, chr8:76,983,906, plus strand): 5'-AATTGTACAAACAGCATACCAGATTTTTTGATTTTTACTGGGTGGCTGATATCTCAGGTT[A>AG]GGGGAAAAATCATTTTTGTACTTAATATTCAAAACTGACTGTCCCACTGTGGCATTTTTG-3'

ClinVar aggregate classification (germline): Pathogenic/Likely pathogenic. Review status: criteria provided, multiple submitters, no conflicts (2 of 4 stars). 2 submissions from 2 submitters: Pathogenic (1); Likely pathogenic (1). Last evaluated 2024-10-10.

Conditions:
Peroxisome biogenesis disorder 5A (Zellweger) (PBD5A). Identifiers: Orphanet 912, MedGen C3553940, MONDO:0013932, OMIM 614866.
Zellweger spectrum disorders (ZS). Also called: Zellweger syndrome; Zellweger Spectrum Disorder (ZSD); Zellweger Spectrum Disorder; Zellweger Spectrum. Identifiers: Orphanet 912, MedGen C0043459, MONDO:0019609.

Submissions (2):

Natera, Inc.
Classification: Likely pathogenic for Zellweger syndrome. Last evaluated: 2024-10-10. Review status: criteria provided, single submitter. Criteria: Natera Variant Classification Schema (03/2026). Collection method: clinical testing. Allele origin: germline.
Comment: The c.272dup variant in PEX2 is a frameshift variant predicted to shift the reading frame and introduce a stop codon. This variant is expected to result in nonsense mediated decay, truncation, or a dysfunctional protein product. This variant is rare in the general population with a frequency below the threshold expected for the associated phenotype(s). Given the available evidence, this variant is classified as Likely Pathogenic.

Labcorp Genetics (formerly Invitae), Labcorp
Classification: Pathogenic for Peroxisome biogenesis disorder 5A (Zellweger). Last evaluated: 2023-12-02. Review status: criteria provided, single submitter. Criteria: Invitae Variant Classification Sherloc (09022015). Collection method: clinical testing. Allele origin: germline.
Comment: This sequence change creates a premature translational stop signal (p.Asn92*) in the PEX2 gene. While this is not anticipated to result in nonsense mediated decay, it is expected to disrupt the last 214 amino acid(s) of the PEX2 protein. This variant is not present in population databases (gnomAD no frequency). This variant has not been reported in the literature in individuals affected with PEX2-related conditions. This variant disrupts a region of the PEX2 protein in which other variant(s) (p.Lys215Serfs*2) have been determined to be pathogenic (PMID: 10652207; Invitae). This suggests that this is a clinically significant region of the protein, and that variants that disrupt it are likely to be disease-causing. For these reasons, this variant has been classified as Pathogenic.

Literature cited by the submitters: PubMed 10652207 (cited by Labcorp Genetics (formerly Invitae), Labcorp).